The following is an entry in ClinVar:

NM_000350.3(ABCA4):c.6122G>A (p.Gly2041Asp)

Gene: ABCA4 (ATP binding cassette subfamily A member 4; minus strand). Cytogenetic location: 1p22.1.
Variant type: single nucleotide variant.
Coding change: c.6122G>A on transcript NM_000350.3 (MANE Select); coding-DNA position 6122, G replaced by A.
Protein change: p.Gly2041Asp; replaces glycine 2041 with aspartic acid.
Molecular consequence: missense variant.
Genome position (GRCh38, 1-based): chr1:94,005,466, C>T on the plus strand (G>A on the coding strand, the complement: ABCA4 is on the minus strand). VCF-style: chr1-94005466-C-T. GRCh37 (hg19) VCF-style: chr1-94471022-C-T.
Other names: c.5900G>A, p.Gly1967Asp (NM_001425324.1); short protein forms G2041D, G1967D.
Identifiers: ClinVar variation 1048145 (VCV001048145.9), dbSNP rs1462350577, ClinGen allele CA341278911.

ClinVar aggregate classification (germline): Pathogenic/Likely pathogenic. Review status: criteria provided, multiple submitters, no conflicts (2 of 4 stars). 3 submissions from 3 submitters: Pathogenic (1); Likely pathogenic (2). Last evaluated 2025-10-01.

Conditions:
Stargardt disease (FFM). Also called: Fundus flavimaculatus; Stargardt's disease. Identifiers: Orphanet 827, MedGen C0271093, MONDO:0019353.
Severe early-childhood-onset retinal dystrophy (STGD1). Also called: STGD; Stargardt macular dystrophy; Juvenile onset macular degeneration; Stargardt disease 1; MACULAR DYSTROPHY WITH FLECKS, TYPE 1. Identifiers: Orphanet 364055, Orphanet 827, MedGen C1855465, MeSH D000080362, MONDO:0009549, OMIM 248200.

Allele frequency attached by ClinVar (database versions not stated): gnomAD 0.00001; TOPMed below 0.00001.
gnomAD v4.1: 2 of 1,614,066 alleles (0.00012%); highest among the groups gnomAD compares: East Asian, 0.0022%; no homozygotes.

Submissions (3):

Women's Health and Genetics/Laboratory Corporation of America, LabCorp
Classification: Likely pathogenic for Stargardt disease. Last evaluated: 2025-10-01. Review status: criteria provided, single submitter. Criteria: LabCorp Variant Classification Summary - May 2015. Collection method: clinical testing. Allele origin: germline.
Comment: Variant summary: ABCA4 c.6122G>A (p.Gly2041Asp) results in a non-conservative amino acid change located in the ABC transporter-like, ATP-binding domain (IPR003439) of the encoded protein sequence. Algorithms developed to predict the effect of missense changes on protein structure and function all suggest that this variant is likely to be disruptive. The variant was absent in 251330 control chromosomes. c.6122G>A has been reported in the literature in individuals affected with Stargardt Disease in either the compound heterozygous state or heterozygous with an unspecified second variant (e.g. Schlottmann_2023, Stenirri_2008, Maggi_2021, Cornelis_2022, Tiwari_2016, Booij_2011). These data indicate that the variant may be associated with disease. To our knowledge, no experimental evidence demonstrating an impact on protein function has been reported. The following publications have been ascertained in the context of this evaluation (PMID: 20801516, 35120629, 33546218, 37217489, 18652558, 27353947). ClinVar contains an entry for this variant (Variation ID: 1048145). Based on the evidence outlined above, the variant was classified as likely pathogenic.

Labcorp Genetics (formerly Invitae), Labcorp
Classification: Pathogenic. Last evaluated: 2024-06-24. Review status: criteria provided, single submitter. Criteria: Invitae Variant Classification Sherloc (09022015). Collection method: clinical testing. Allele origin: germline.
Comment: This sequence change replaces glycine, which is neutral and non-polar, with aspartic acid, which is acidic and polar, at codon 2041 of the ABCA4 protein (p.Gly2041Asp). This variant is not present in population databases (gnomAD no frequency). This missense change has been observed in individual(s) with Stargardt disease (PMID: 18652558, 20801516, 31884623, 33546218). ClinVar contains an entry for this variant (Variation ID: 1048145). Advanced modeling of protein sequence and biophysical properties (such as structural, functional, and spatial information, amino acid conservation, physicochemical variation, residue mobility, and thermodynamic stability) performed at Invitae indicates that this missense variant is expected to disrupt ABCA4 protein function with a positive predictive value of 95%. This variant disrupts the p.Gly2041 amino acid residue in ABCA4. Other variant(s) that disrupt this residue have been determined to be pathogenic (Invitae). This suggests that this residue is clinically significant, and that variants that disrupt this residue are likely to be disease-causing. For these reasons, this variant has been classified as Pathogenic.

Institute of Medical Molecular Genetics, University of Zurich
Classification: Likely pathogenic for Severe early-childhood-onset retinal dystrophy. Last evaluated: 2021-01-30. Review status: criteria provided, single submitter. Criteria: ACMG Guidelines, 2015. Collection method: clinical testing. Allele origin: unknown. Affected: yes.

Literature cited by the submitters: PubMed 18652558 (cited by Women's Health and Genetics/Laboratory Corporation of America, LabCorp and Labcorp Genetics (formerly Invitae), Labcorp); PubMed 27353947 (cited by Women's Health and Genetics/Laboratory Corporation of America, LabCorp); PubMed 37217489 (cited by Women's Health and Genetics/Laboratory Corporation of America, LabCorp); PubMed 35120629 (cited by Women's Health and Genetics/Laboratory Corporation of America, LabCorp); PubMed 20801516 (cited by Women's Health and Genetics/Laboratory Corporation of America, LabCorp and Labcorp Genetics (formerly Invitae), Labcorp); PubMed 33546218 (cited by Women's Health and Genetics/Laboratory Corporation of America, LabCorp and Labcorp Genetics (formerly Invitae), Labcorp); PubMed 31884623 (cited by Labcorp Genetics (formerly Invitae), Labcorp).